The following is an entry in ClinVar:

NM_000787.4(DBH):c.1648G>A (p.Asp550Asn)

Genes: DBH (dopamine beta-hydroxylase; plus strand), DBH-AS1 (DBH antisense RNA 1; minus strand). Cytogenetic location: 9q34.2.
Variant type: single nucleotide variant.
Coding change: c.1648G>A on transcript NM_000787.4 (MANE Select); coding-DNA position 1648, G replaced by A.
Protein change: p.Asp550Asn; replaces aspartic acid 550 with asparagine.
Molecular consequence: missense variant. On other transcripts: non-coding transcript variant (1).
Genome position (GRCh38, 1-based): chr9:133,657,155, G>A. VCF-style: chr9-133657155-G-A. GRCh37 (hg19) VCF-style: chr9-136522277-G-A.
Other names: short protein forms D550N.
Identifiers: ClinVar variation 1514860 (VCV001514860.3), dbSNP rs529732819, ClinGen allele CA5313635.

ClinVar aggregate classification (germline): Uncertain significance (1 of 4 stars; one submission).

Conditions:
Orthostatic hypotension 1 (ORTHYP1). Also called: Orthostatic hypotension 1, due to DBH deficiency; NORADRENALINE DEFICIENCY; NOREPINEPHRINE DEFICIENCY; Dopamine beta-hydroxylase deficiency. Identifiers: Orphanet 230, MedGen C4746777, MONDO:0009123, OMIM 223360.

Allele frequency attached by ClinVar (database versions not stated): gnomAD exomes 0.00001 and 0.00002; ExAC 0.00002; gnomAD 0.00002 and 0.00003; TOPMed 0.00005; 1000 Genomes Project 30x 0.00016; 1000 Genomes Project 0.00020.
gnomAD v4.1: 10 of 1,614,084 alleles (0.00062%); highest among the groups gnomAD compares: African/African-American, 0.0093%; no homozygotes.

Submission:

Labcorp Genetics (formerly Invitae), Labcorp
Classification: Uncertain significance for Orthostatic hypotension 1. Last evaluated: 2022-06-05. Review status: criteria provided, single submitter. Criteria: Invitae Variant Classification Sherloc (09022015). Collection method: clinical testing. Allele origin: germline.
Comment: This sequence change replaces aspartic acid, which is acidic and polar, with asparagine, which is neutral and polar, at codon 550 of the DBH protein (p.Asp550Asn). This variant is present in population databases (rs529732819, gnomAD 0.02%). This variant has not been reported in the literature in individuals affected with DBH-related conditions. ClinVar contains an entry for this variant (Variation ID: 1514860). Algorithms developed to predict the effect of missense changes on protein structure and function (SIFT, PolyPhen-2, Align-GVGD) all suggest that this variant is likely to be tolerated. In summary, the available evidence is currently insufficient to determine the role of this variant in disease. Therefore, it has been classified as a Variant of Uncertain Significance.